The following is an entry in ClinVar:

NM_053025.4(MYLK):c.1484A>G (p.Gln495Arg)

Gene: MYLK (myosin light chain kinase; minus strand). Cytogenetic location: 3q21.1.
Variant type: single nucleotide variant.
Coding change: c.1484A>G on transcript NM_053025.4 (MANE Select); coding-DNA position 1484, A replaced by G.
Protein change: p.Gln495Arg; replaces glutamine 495 with arginine.
Molecular consequence: missense variant. On other transcripts: intron variant (2).
Genome position (GRCh38, 1-based): chr3:123,732,928, T>C on the plus strand (A>G on the coding strand, the complement: MYLK is on the minus strand). VCF-style: chr3-123732928-T-C. GRCh37 (hg19) VCF-style: chr3-123451775-T-C.
Other names: c.956A>G, p.Gln319Arg (NM_001321309.2); c.1484A>G, p.Gln495Arg (NM_053027.4); c.1309+759A>G (NM_053028.4, NM_053026.4); short protein forms Q319R, Q495R.
Identifiers: ClinVar variation 3608481 (VCV003608481.2).
Genomic context (GRCh38, chr3:123,732,928, plus strand): 5'-GCGGGGTGACCTGGAGAAGTGTACTCACTTTCCACTTGGAGGGTCCAGCTACAGGACAGC[T>C]GGCCTTGGGCGTTGGAAGCAGTGCAGCTGTATGTCCCACTGTCCCTGGTCCGGGCTTTCA-3'
Protein context (NP_444253.3, residues 485-505): YSCTASNAQG[Gln495Arg]LSCSWTLQVE

ClinVar aggregate classification (germline): Uncertain significance (1 of 4 stars; one submission).

Conditions:
Aortic aneurysm, familial thoracic 7 (AAT7). Also called: AORTIC DISSECTION, FAMILIAL, WITH OR WITHOUT AORTIC ANEURYSM. Identifiers: MedGen C3151077, MONDO:0013418, OMIM 613780.

gnomAD v4.1: 1 of 1,614,216 alleles (0.000062%); highest among the groups gnomAD compares: Non-Finnish European, 0.000085%; no homozygotes.

Submission:

Labcorp Genetics (formerly Invitae), Labcorp
Classification: Uncertain significance for Aortic aneurysm, familial thoracic 7. Last evaluated: 2024-06-26. Review status: criteria provided, single submitter. Criteria: Invitae Variant Classification Sherloc (09022015). Collection method: clinical testing. Allele origin: germline.
Comment: This sequence change replaces glutamine, which is neutral and polar, with arginine, which is basic and polar, at codon 495 of the MYLK protein (p.Gln495Arg). This variant is not present in population databases (gnomAD no frequency). This variant has not been reported in the literature in individuals affected with MYLK-related conditions. Advanced modeling of protein sequence and biophysical properties (such as structural, functional, and spatial information, amino acid conservation, physicochemical variation, residue mobility, and thermodynamic stability) performed at Invitae indicates that this missense variant is not expected to disrupt MYLK protein function with a negative predictive value of 95%. In summary, the available evidence is currently insufficient to determine the role of this variant in disease. Therefore, it has been classified as a Variant of Uncertain Significance.